The following is an entry in ClinVar:

NM_000574.5(CD55):c.155G>T (p.Arg52Leu)

Gene: CD55 (CD55 molecule (Cromer blood group); plus strand). Cytogenetic location: 1q32.2.
Variant type: single nucleotide variant.
Coding change: c.155G>T on transcript NM_000574.5 (MANE Select); coding-DNA position 155, G replaced by T.
Protein change: p.Arg52Leu; replaces arginine 52 with leucine.
Molecular consequence: missense variant. On other transcripts: non-coding transcript variant (1).
Genome position (GRCh38, 1-based): chr1:207,322,436, G>T. VCF-style: chr1-207322436-G-T. GRCh37 (hg19) VCF-style: chr1-207495781-G-T.
Other names: p.Arg52Leu; c.155G>T, p.Arg52Leu (NM_001114752.3, NM_001300902.2, NM_001300903.2 and 1 more transcripts); short protein forms R52L.
Identifiers: ClinVar variation 787220 (VCV000787220.14), dbSNP rs28371588, ClinGen allele CA1367912.

ClinVar aggregate classification (germline): Benign/Likely benign. Review status: criteria provided, multiple submitters, no conflicts (2 of 4 stars). 6 submissions from 6 submitters: Benign (3); Likely benign (2). 1 of the submissions does not count toward it. Last evaluated 2026-02-01.

Conditions:
Complement hyperactivation-angiopathic thrombosis-protein-losing enteropathy syndrome. Also called: COMPLEMENT HYPERACTIVATION, ANGIOPATHIC THROMBOSIS, AND PROTEIN-LOSING ENTEROPATHY. Identifiers: Orphanet 566175, MedGen C4538570, MONDO:0009174, OMIM 226300.
Cromer blood group system (CROM). Also called: CROMER BLOOD GROUP SYSTEM, Inab PHENOTYPE. Identifiers: MedGen C1292305, OMIM 613793.
CD55-related disorder. Also called: CD55-related condition.

Allele frequency attached by ClinVar (database versions not stated): 1000 Genomes Project 0.00599; ESP Exome Variant Server 0.00877; 1000 Genomes Project 30x 0.00656; TOPMed 0.00808.
gnomAD v4.1: 2,185 of 1,614,142 alleles (0.14%); highest among the groups gnomAD compares: African/African-American, 2.6%; 29 homozygotes.

Submissions (6):

Labcorp Genetics (formerly Invitae), Labcorp
Classification: Benign. Last evaluated: 2026-02-01. Review status: criteria provided, single submitter. Criteria: Invitae Variant Classification Sherloc (09022015). Collection method: clinical testing. Allele origin: germline.

Women's Health and Genetics/Laboratory Corporation of America, LabCorp
Classification: Likely benign. Last evaluated: 2026-01-22. Review status: criteria provided, single submitter. Criteria: LabCorp Variant Classification Summary - May 2015. Collection method: clinical testing. Allele origin: germline.

Mayo Clinic Laboratories, Mayo Clinic
Classification: Benign. Last evaluated: 2024-10-05. Review status: criteria provided, single submitter. Criteria: ACMG Guidelines, 2015. Collection method: clinical testing. Allele origin: germline. Observed: 3 variant alleles.
Comment: BS1, BS2, BP4

Fulgent Genetics
Classification: Likely benign for Complement hyperactivation-angiopathic thrombosis-protein-losing enteropathy syndrome; Cromer blood group system. Last evaluated: 2022-03-18. Review status: criteria provided, single submitter. Criteria: ACMG Guidelines, 2015. Collection method: clinical testing. Allele origin: unknown.

Breakthrough Genomics
Classification: Benign. Review status: criteria provided, single submitter. Criteria: ACMG Guidelines, 2015. Collection method: not provided. Allele origin: germline. Inheritance: Autosomal recessive inheritance. Affected: yes.

PreventionGenetics, part of Exact Sciences
Classification: Benign for CD55-related condition. Last evaluated: 2019-04-01. Review status: no assertion criteria provided. Collection method: clinical testing. Allele origin: germline. Not counted in ClinVar's aggregate classification.
Comment: This variant is classified as benign based on ACMG/AMP sequence variant interpretation guidelines (Richards et al. 2015 PMID: 25741868, with internal and published modifications).